The following is an entry in ClinVar:

ClinVar aggregate classification (germline): Uncertain significance (1 of 4 stars; one submission).

Conditions:
Hereditary cancer-predisposing syndrome. Also called: Neoplastic Syndromes, Hereditary; Tumor predisposition; Hereditary Cancer Syndrome; Hereditary neoplastic syndrome. Identifiers: Orphanet 140162, MedGen C0027672, MeSH D009386, MONDO:0015356.

Submission:

Ambry Genetics
Classification: Uncertain significance for Hereditary cancer-predisposing syndrome. Last evaluated: 2022-09-05. Review status: criteria provided, single submitter. Criteria: Ambry Variant Classification Scheme 2023. Collection method: clinical testing. Allele origin: germline.
Comment: The p.Q692P variant (also known as c.2075A>C), located in coding exon 14 of the MSH3 gene, results from an A to C substitution at nucleotide position 2075. The glutamine at codon 692 is replaced by proline, an amino acid with similar properties. This amino acid position is conserved. In addition, this alteration is predicted to be tolerated by in silico analysis. Since supporting evidence is limited at this time, the clinical significance of this alteration remains unclear.

NM_002439.5(MSH3):c.2075A>C (p.Gln692Pro)

Gene: MSH3 (mutS homolog 3; plus strand). Cytogenetic location: 5q14.1.
Variant type: single nucleotide variant.
Coding change: c.2075A>C on transcript NM_002439.5 (MANE Select); coding-DNA position 2075, A replaced by C.
Protein change: p.Gln692Pro; replaces glutamine 692 with proline.
Molecular consequence: missense variant.
Genome position (GRCh38, 1-based): chr5:80,768,111, A>C. VCF-style: chr5-80768111-A-C. GRCh37 (hg19) VCF-style: chr5-80063930-A-C.
Other names: short protein forms Q692P.
Identifiers: ClinVar variation 1785446 (VCV001785446.2), dbSNP rs771378744, ClinGen allele CA360277981.